The following is an entry in ClinVar:

NM_004629.2(FANCG):c.857C>T (p.Ala286Val)

Gene: FANCG (FA complementation group G; minus strand). Cytogenetic location: 9p13.3.
Variant type: single nucleotide variant.
Coding change: c.857C>T on transcript NM_004629.2 (MANE Select); coding-DNA position 857, C replaced by T.
Protein change: p.Ala286Val; replaces alanine 286 with valine.
Molecular consequence: missense variant.
Genome position (GRCh38, 1-based): chr9:35,076,791, G>A on the plus strand (C>T on the coding strand, the complement: FANCG is on the minus strand). VCF-style: chr9-35076791-G-A. GRCh37 (hg19) VCF-style: chr9-35076788-G-A.
Other names: short protein forms A286V.
Identifiers: ClinVar variation 3848444 (VCV003848444.1).

ClinVar aggregate classification (germline): Uncertain significance (1 of 4 stars; one submission).

Conditions:
Inborn genetic diseases. Identifiers: MedGen C0950123, MeSH D030342.

gnomAD v4.1: 3 of 1,614,160 alleles (0.00019%); highest among the groups gnomAD compares: Non-Finnish European, 0.00025%; no homozygotes.

Submission:

Ambry Genetics
Classification: Uncertain significance for Inborn genetic diseases. Last evaluated: 2025-02-16. Review status: criteria provided, single submitter. Criteria: Ambry Variant Classification Scheme 2023. Collection method: clinical testing. Allele origin: germline.
Comment: The p.A286V variant (also known as c.857C>T), located in coding exon 7 of the FANCG gene, results from a C to T substitution at nucleotide position 857. The alanine at codon 286 is replaced by valine, an amino acid with similar properties. This amino acid position is conserved. In addition, this alteration is predicted to be tolerated by in silico analysis. Based on the available evidence, the clinical significance of this variant remains unclear.